The following is an entry in ClinVar:

NM_022081.6(HPS4):c.1418G>A (p.Arg473His)

Gene: HPS4 (HPS4 biogenesis of lysosomal organelles complex 3 subunit 2; minus strand). Cytogenetic location: 22q12.1.
Variant type: single nucleotide variant.
Coding change: c.1418G>A on transcript NM_022081.6 (MANE Select); coding-DNA position 1418, G replaced by A.
Protein change: p.Arg473His; replaces arginine 473 with histidine.
Molecular consequence: missense variant. On other transcripts: non-coding transcript variant (8).
Genome position (GRCh38, 1-based): chr22:26,464,212, C>T on the plus strand (G>A on the coding strand, the complement: HPS4 is on the minus strand). VCF-style: chr22-26464212-C-T. GRCh37 (hg19) VCF-style: chr22-26860178-C-T.
Other names: c.1418G>A (NM_022081.4); c.1418G>A, p.Arg473His (NM_001349896.1, NM_001349898.2, NM_001349899.2 and 4 more transcripts); c.1472G>A, p.Arg491His (NM_001349900.2, NM_001349901.1); c.1403G>A, p.Arg468His (NM_152841.2); short protein forms R468H, R473H, R491H.
Identifiers: ClinVar variation 1370325 (VCV001370325.11), dbSNP rs139039617, ClinGen allele CA10163326.
Genomic context (GRCh38, chr22:26,464,212, plus strand): 5'-TCCTCATCCAGGCCTTGTTCCCCCGTGGGAAGCTTGTTTCCTCTCTGTCCTGGATCTAAG[C>T]GAGGCAATAACAAGGGCCTGCGGGTCCTTCTGGGGAGAGGGTCTGCTCTGGGAATGGGGG-3'
Protein context (NP_071364.4, residues 463-483): RRTRRPLLLP[Arg473His]LDPGQRGNKL

ClinVar aggregate classification (germline): Conflicting classifications of pathogenicity. Review status: criteria provided, conflicting classifications (1 of 4 stars). 3 submissions from 3 submitters: Uncertain significance (2); Likely benign (1). Last evaluated 2025-10-15.

Conditions:
Inborn genetic diseases. Identifiers: MedGen C0950123, MeSH D030342.

Allele frequency attached by ClinVar (database versions not stated): gnomAD 0.00003; gnomAD exomes 0.00003 and 0.00006; TOPMed 0.00003; ExAC 0.00007; ESP Exome Variant Server 0.00008.
gnomAD v4.1: 46 of 1,614,066 alleles (0.0028%); highest among the groups gnomAD compares: Non-Finnish European, 0.0034%; no homozygotes.

Submissions (3):

Ambry Genetics
Classification: Uncertain significance for Inborn genetic diseases. Last evaluated: 2025-10-15. Review status: criteria provided, single submitter. Criteria: Ambry Variant Classification Scheme 2023. Collection method: clinical testing. Allele origin: germline.

Blueprint Genetics
Classification: Likely benign. Last evaluated: 2024-09-09. Review status: criteria provided, single submitter. Criteria: ACMG Guidelines, 2015. Collection method: clinical testing. Allele origin: germline.

Labcorp Genetics (formerly Invitae), Labcorp
Classification: Uncertain significance. Last evaluated: 2022-10-27. Review status: criteria provided, single submitter. Criteria: Invitae Variant Classification Sherloc (09022015). Collection method: clinical testing. Allele origin: germline.
Comment: This sequence change replaces arginine, which is basic and polar, with histidine, which is basic and polar, at codon 473 of the HPS4 protein (p.Arg473His). This variant is present in population databases (rs139039617, gnomAD 0.009%). This variant has not been reported in the literature in individuals affected with HPS4-related conditions. ClinVar contains an entry for this variant (Variation ID: 1370325). Algorithms developed to predict the effect of missense changes on protein structure and function output the following: SIFT: "Tolerated"; PolyPhen-2: "Benign"; Align-GVGD: "Class C0". The histidine amino acid residue is found in multiple mammalian species, which suggests that this missense change does not adversely affect protein function. In summary, the available evidence is currently insufficient to determine the role of this variant in disease. Therefore, it has been classified as a Variant of Uncertain Significance.